The following is an entry in ClinVar:

ClinVar aggregate classification (germline): Conflicting classifications of pathogenicity. Review status: criteria provided, conflicting classifications (1 of 4 stars). 4 submissions from 4 submitters: Likely pathogenic (1); Uncertain significance (3). Last evaluated 2024-10-04.

Conditions:
Hereditary breast ovarian cancer syndrome. Also called: Breast and ovarian cancer; Hereditary breast and/or ovarian cancer syndrome; BRCA1- and BRCA2-Associated Hereditary Breast and Ovarian Cancer; Hereditary breast and ovarian cancer syndrome; Hereditary breast and ovarian cancer syndrome (HBOC); Hereditary breast and ovarian cancer. Identifiers: Orphanet 145, MedGen C0677776, MeSH D061325, MONDO:0003582. Disease mechanism: loss of function.
Breast-ovarian cancer, familial, susceptibility to, 1 (BROVCA1). Also called: BRCA1 Hereditary Breast and Ovarian Cancer; OVARIAN CANCER, SUSCEPTIBILITY TO. Identifiers: Orphanet 145, MedGen C2676676, MONDO:0011450, OMIM 604370. Disease mechanism: loss of function.
Hereditary cancer-predisposing syndrome. Also called: Tumor predisposition; Hereditary Cancer Syndrome; Hereditary neoplastic syndrome; Neoplastic Syndromes, Hereditary. Identifiers: Orphanet 140162, MedGen C0027672, MeSH D009386, MONDO:0015356.

Submissions (5):

Quest Diagnostics Nichols Institute San Juan Capistrano
Classification: Uncertain significance. Last evaluated: 2024-10-04. Review status: criteria provided, single submitter. Criteria: Quest Diagnostics criteria. Collection method: clinical testing. Allele origin: unknown.
Comment: The BRCA1 c.5111T>A (p.Phe1704Tyr) variant has been reported in the published literature to be damaging to protein function (PMID: 30209399 (2018), 30209399 (2022)). This variant is also predicted to be damaging based on BRCA1 structural analysis (PMID: 33106425 (2020)). This variant has not been reported in large, multi-ethnic general populations (Genome Aggregation Database). Analysis of this variant using bioinformatics tools for the prediction of the effect of amino acid changes on protein structure and function yielded conflicting predictions that this variant is deleterious or benign. Based on the available information, we are unable to determine the clinical significance of this variant.

Labcorp Genetics (formerly Invitae), Labcorp
Classification: Uncertain significance for Hereditary breast ovarian cancer syndrome. Last evaluated: 2023-06-30. Review status: criteria provided, single submitter. Criteria: Invitae Variant Classification Sherloc (09022015). Collection method: clinical testing. Allele origin: germline.
Comment: In summary, the available evidence is currently insufficient to determine the role of this variant in disease. Therefore, it has been classified as a Variant of Uncertain Significance. Advanced modeling performed at Invitae incorporating data from internal and/or published experimental studies (PMID: 30209399) indicates that this missense variant is expected to disrupt BRCA1 function. ClinVar contains an entry for this variant (Variation ID: 479267). This variant has not been reported in the literature in individuals affected with BRCA1-related conditions. This variant is not present in population databases (gnomAD no frequency). This sequence change replaces phenylalanine, which is neutral and non-polar, with tyrosine, which is neutral and polar, at codon 1704 of the BRCA1 protein (p.Phe1704Tyr).

Myriad Genetics, Inc.
Classification: Likely pathogenic for Breast-ovarian cancer, familial, susceptibility to, 1. Last evaluated: 2023-06-02. Review status: criteria provided, single submitter. Criteria: Myriad Autosomal Dominant, Autosomal Recessive and X-Linked Classification Criteria (2023). Collection method: clinical testing. Allele origin: unknown.
Comment: This variant is considered likely pathogenic. Functional studies indicate this variant impacts protein function [PMID: 30209399, 35196514].

Ambry Genetics
Classification: Uncertain significance for Hereditary cancer-predisposing syndrome. Last evaluated: 2018-12-03. Review status: criteria provided, single submitter. Criteria: Ambry General Variant Classification Scheme_2022. Collection method: clinical testing. Allele origin: germline. Observed: 1 variant allele.
Comment: The p.F1704Y variant (also known as c.5111T>A), located in coding exon 16 of the BRCA1 gene, results from a T to A substitution at nucleotide position 5111. The phenylalanine at codon 1704 is replaced by tyrosine, an amino acid with highly similar properties. One functional study found that this nucleotide substitution is non-functional in a high-throughput, genome editing, haploid cell survival assay (Findlay GM et al. Nature, 2018 10;562:217-222). This alteration was also predicted to be deleterious based on 3D structural analysis (Iqbal S et al. Proc Natl Acad Sci U S A, 2020 11;117:28201-28211). This amino acid position is highly conserved in available vertebrate species. In addition, the in silico prediction for this alteration is inconclusive. Since supporting evidence is limited at this time, the clinical significance of this alteration remains unclear.

Brotman Baty Institute, University of Washington
No classification provided (evidence only). Condition: Breast-ovarian cancer, familial 1. Review status: no classification provided. Collection method: in vitro. Allele origin: not applicable. Functional consequence: functionally_abnormal. Not counted in ClinVar's aggregate classification.
ClinVar note: "not provided" was previously submitted as the classification for the variant. However, the classification appeared to be based only on an observation of functional data so it was converted to no classification on 2025-07-30.

Literature cited by the submitters: PubMed 30209399 (cited by 4 submitters); PubMed 35196514 (cited by Quest Diagnostics Nichols Institute San Juan Capistrano and Myriad Genetics, Inc.); PubMed 33106425 (cited by Quest Diagnostics Nichols Institute San Juan Capistrano and Ambry Genetics).

NM_007294.4(BRCA1):c.5111T>A (p.Phe1704Tyr)

Gene: BRCA1 (BRCA1 DNA repair associated; minus strand). Cytogenetic location: 17q21.31.
Variant type: single nucleotide variant.
Coding change: c.5111T>A on transcript NM_007294.4 (MANE Select); coding-DNA position 5111, T replaced by A.
Protein change: p.Phe1704Tyr; replaces phenylalanine 1704 with tyrosine.
Molecular consequence: missense variant. On other transcripts: non-coding transcript variant (1).
Genome position (GRCh38, 1-based): chr17:43,063,915, A>T on the plus strand (T>A on the coding strand, the complement: BRCA1 is on the minus strand). VCF-style: chr17-43063915-A-T. GRCh37 (hg19) VCF-style: chr17-41215932-A-T.
Other names: c.4898T>A, p.Phe1633Tyr (NM_001407571.1, NM_001407895.1, NM_001407896.1 and 12 more transcripts); c.5177T>A, p.Phe1726Tyr (NM_001407581.1, NM_001407582.1); c.5174T>A, p.Phe1725Tyr (NM_001407583.1, NM_001407585.1, NM_001407587.1 and 1 more transcripts); c.5171T>A, p.Phe1724Tyr (NM_001407590.1, NM_001407591.1); c.5111T>A, p.Phe1704Tyr (NM_001407593.1, NM_001407594.1, NM_001407596.1 and 7 more transcripts); c.5108T>A, p.Phe1703Tyr (NM_001407610.1, NM_001407611.1, NM_001407622.1 and 17 more transcripts); c.5105T>A, p.Phe1702Tyr (NM_001407627.1, NM_001407628.1, NM_001407629.1 and 14 more transcripts); c.5102T>A, p.Phe1701Tyr (NM_001407644.1, NM_001407645.1); and 71 more; short protein forms F1704Y, F600Y, F1657Y, F1725Y, F1575Y, F1577Y, F1635Y, F1660Y.
Identifiers: ClinVar variation 479267 (VCV000479267.18), dbSNP rs1555578598, ClinGen allele CA10591308.
Genomic context (GRCh38, chr17:43,063,915, plus strand): 5'-GAAATAGTATTATACTTACAGAAATAGCTAACTACCCATTTTCCTCCCGCAATTCCTAGA[A>T]AATATTTCAGTGTCCGTTCACACACAAACTCAGCATCTGCAGAATGAAAAACACTCAAAG-3'
Protein context (NP_009225.1, residues 1694-1714): EFVCERTLKY[Phe1704Tyr]LGIAGGKWVV